The following is an entry in ClinVar:

ClinVar aggregate classification (germline): Uncertain significance (1 of 4 stars; one submission).

Conditions:
Hereditary cancer-predisposing syndrome. Also called: Neoplastic Syndromes, Hereditary; Hereditary Cancer Syndrome; Tumor predisposition; Hereditary neoplastic syndrome. Identifiers: Orphanet 140162, MedGen C0027672, MeSH D009386, MONDO:0015356.

Allele frequency attached by ClinVar (database versions not stated): gnomAD exomes below 0.00001.
gnomAD v4.1: 2 of 1,614,238 alleles (0.00012%); highest among the groups gnomAD compares: Non-Finnish European, 0.00017%; no homozygotes.

Submission:

Ambry Genetics
Classification: Uncertain significance for Hereditary cancer-predisposing syndrome. Last evaluated: 2022-11-25. Review status: criteria provided, single submitter. Criteria: Ambry Variant Classification Scheme 2023. Collection method: clinical testing. Allele origin: germline.
Comment: The p.K478E variant (also known as c.1432A>G), located in coding exon 10 of the CTNNA1 gene, results from an A to G substitution at nucleotide position 1432. The lysine at codon 478 is replaced by glutamic acid, an amino acid with similar properties. This amino acid position is conserved. In addition, this alteration is predicted to be deleterious by in silico analysis. Since supporting evidence is limited at this time, the clinical significance of this alteration remains unclear.

NM_001903.5(CTNNA1):c.1432A>G (p.Lys478Glu)

Gene: CTNNA1 (catenin alpha 1; plus strand). Cytogenetic location: 5q31.2.
Variant type: single nucleotide variant.
Coding change: c.1432A>G on transcript NM_001903.5 (MANE Select); coding-DNA position 1432, A replaced by G.
Protein change: p.Lys478Glu; replaces lysine 478 with glutamic acid.
Molecular consequence: missense variant. On other transcripts: 5 prime UTR variant (5).
Genome position (GRCh38, 1-based): chr5:138,917,784, A>G. VCF-style: chr5-138917784-A-G. GRCh37 (hg19) VCF-style: chr5-138253473-A-G.
Other names: c.1432A>G, p.Lys478Glu (NM_001290307.3, NM_001323982.2, NM_001323983.1 and 2 more transcripts); c.1123A>G, p.Lys375Glu (NM_001290309.3); c.1063A>G, p.Lys355Glu (NM_001290310.3); c.322A>G, p.Lys108Glu (NM_001290312.1, NM_001323987.1, NM_001323988.1 and 17 more transcripts); c.1339A>G, p.Lys447Glu (NM_001323986.2); c.-18A>G (NM_001324006.1, NM_001324007.1, NM_001324008.1 and 2 more transcripts); c.229A>G, p.Lys77Glu (NM_001324011.1); c.79A>G, p.Lys27Glu (NM_001324012.1, NM_001324013.1); short protein forms K478E, K27E, K375E, K355E, K108E, K447E, K77E.
Identifiers: ClinVar variation 2448330 (VCV002448330.2), dbSNP rs2533588608, ClinGen allele CA361137168.